The following is an entry in ClinVar:

ClinVar aggregate classification (germline): Uncertain significance. Review status: criteria provided, multiple submitters, no conflicts (2 of 4 stars). 2 submissions from 2 submitters: Uncertain significance (2). Last evaluated 2025-03-09.

Conditions:
Distal myopathy with posterior leg and anterior hand involvement. Also called: WILLIAMS DISTAL MYOPATHY. Identifiers: Orphanet 63273, MedGen C3279722, MONDO:0013550, OMIM 614065.
Myofibrillar myopathy 5. Also called: Filaminopathy (type); FILAMINOPATHY, AUTOSOMAL DOMINANT. Identifiers: Orphanet 171445, MedGen C1836050, MONDO:0012289, OMIM 609524.
Hypertrophic cardiomyopathy 26. Also called: Cardiomyopathy, familial hypertrophic, 26. Identifiers: Orphanet 75249, MedGen C4310749, MONDO:0014883, OMIM 617047.

Allele frequency attached by ClinVar (database versions not stated): gnomAD exomes below 0.00001; ExAC 0.00001.

Submissions (2):

Labcorp Genetics (formerly Invitae), Labcorp
Classification: Uncertain significance for Distal myopathy with posterior leg and anterior hand involvement; Myofibrillar myopathy 5; Hypertrophic cardiomyopathy 26. Last evaluated: 2025-03-09. Review status: criteria provided, single submitter. Criteria: Invitae Variant Classification Sherloc (09022015). Collection method: clinical testing. Allele origin: germline.
Comment: This sequence change replaces valine, which is neutral and non-polar, with phenylalanine, which is neutral and non-polar, at codon 951 of the FLNC protein (p.Val951Phe). This variant is present in population databases (rs760566825, gnomAD 0.006%). This variant has not been reported in the literature in individuals affected with FLNC-related conditions. ClinVar contains an entry for this variant (Variation ID: 539352). Invitae Evidence Modeling of protein sequence and biophysical properties (such as structural, functional, and spatial information, amino acid conservation, physicochemical variation, residue mobility, and thermodynamic stability) has been performed for this missense variant. However, the output from this modeling did not meet the statistical confidence thresholds required to predict the impact of this variant on FLNC protein function. In summary, the available evidence is currently insufficient to determine the role of this variant in disease. Therefore, it has been classified as a Variant of Uncertain Significance.

ARUP Laboratories, Molecular Genetics and Genomics, ARUP Laboratories
Classification: Uncertain significance. Last evaluated: 2025-01-23. Review status: criteria provided, single submitter. Criteria: ARUP Molecular Germline Variant Investigation Process 2024. Collection method: clinical testing. Allele origin: germline.
Comment: The FLNC c.2851G>T; p.Val951Phe variant (rs760566825), to our knowledge, is not reported in the medical literature but is reported in ClinVar (Variation ID: 539352). This variant is only observed on one allele in the Genome Aggregation Database (v2.1.1), indicating it is not a common polymorphism. Computational analyses are uncertain whether this variant is neutral or deleterious (REVEL: 0.637). Due to limited information, the clinical significance of this variant is uncertain at this time.

NM_001458.5(FLNC):c.2851G>T (p.Val951Phe)

Gene: FLNC (filamin C; plus strand). Cytogenetic location: 7q32.1.
Variant type: single nucleotide variant.
Coding change: c.2851G>T on transcript NM_001458.5 (MANE Select); coding-DNA position 2851, G replaced by T.
Protein change: p.Val951Phe; replaces valine 951 with phenylalanine.
Molecular consequence: missense variant.
Genome position (GRCh38, 1-based): chr7:128,843,835, G>T. VCF-style: chr7-128843835-G-T. GRCh37 (hg19) VCF-style: chr7-128483889-G-T.
Other names: c.2851G>T, p.Val951Phe (NM_001127487.2); short protein forms V951F.
Identifiers: ClinVar variation 539352 (VCV000539352.10), dbSNP rs760566825, ClinGen allele CA4474885.